The following is an entry in ClinVar:

ClinVar aggregate classification (germline): Uncertain significance. Review status: criteria provided, multiple submitters, no conflicts (2 of 4 stars). 3 submissions from 3 submitters: Uncertain significance (2). 1 of the submissions does not count toward it. Last evaluated 2024-07-16.

Conditions:
Leber congenital amaurosis (LCA). Also called: Leber's amaurosis. Identifiers: Orphanet 65, MedGen C0339527, MeSH D057130, MONDO:0018998.
Retinitis pigmentosa 20 (RP20). Identifiers: Orphanet 791, MedGen C3151086, MONDO:0013425, OMIM 613794.
Leber congenital amaurosis 2 (LCA2). Also called: Autosomal Recessive RPE65-Related Retinal Degeneration; AMAUROSIS CONGENITA OF LEBER II. Identifiers: Orphanet 65, MedGen C1859844, MONDO:0008765, OMIM 204100. Disease mechanism: loss of function.

Allele frequency attached by ClinVar (database versions not stated): gnomAD exomes 0.00008 and 0.00004; ExAC 0.00013; gnomAD 0.00001; TOPMed 0.00002; ESP Exome Variant Server 0.00008.
gnomAD v4.1: 54 of 1,613,712 alleles (0.0033%); highest among the groups gnomAD compares: Non-Finnish European, 0.0042%; no homozygotes.

Submissions (3):

Blueprint Genetics
Classification: Uncertain significance. Last evaluated: 2024-07-16. Review status: criteria provided, single submitter. Criteria: ACMG Guidelines, 2015. Collection method: clinical testing. Allele origin: germline.

Labcorp Genetics (formerly Invitae), Labcorp
Classification: Uncertain significance for Leber congenital amaurosis 2; Retinitis pigmentosa 20. Last evaluated: 2024-01-29. Review status: criteria provided, single submitter. Criteria: Invitae Variant Classification Sherloc (09022015). Collection method: clinical testing. Allele origin: germline.
Comment: This sequence change replaces alanine, which is neutral and non-polar, with threonine, which is neutral and polar, at codon 292 of the RPE65 protein (p.Ala292Thr). This variant is present in population databases (rs377762154, gnomAD 0.01%). This variant has not been reported in the literature in individuals affected with RPE65-related conditions. ClinVar contains an entry for this variant (Variation ID: 971314). Advanced modeling of protein sequence and biophysical properties (such as structural, functional, and spatial information, amino acid conservation, physicochemical variation, residue mobility, and thermodynamic stability) performed at Invitae indicates that this missense variant is not expected to disrupt RPE65 protein function with a negative predictive value of 80%. In summary, the available evidence is currently insufficient to determine the role of this variant in disease. Therefore, it has been classified as a Variant of Uncertain Significance.

Natera, Inc.
Classification: Uncertain significance for Leber congenital amaurosis. Last evaluated: 2020-04-30. Review status: no assertion criteria provided. Collection method: clinical testing. Allele origin: germline. Not counted in ClinVar's aggregate classification.

NM_000329.3(RPE65):c.874G>A (p.Ala292Thr)

Gene: RPE65 (retinoid isomerohydrolase RPE65; minus strand). Cytogenetic location: 1p31.3.
Variant type: single nucleotide variant.
Coding change: c.874G>A on transcript NM_000329.3 (MANE Select); coding-DNA position 874, G replaced by A.
Protein change: p.Ala292Thr; replaces alanine 292 with threonine.
Molecular consequence: missense variant.
Genome position (GRCh38, 1-based): chr1:68,439,066, C>T on the plus strand (G>A on the coding strand, the complement: RPE65 is on the minus strand). VCF-style: chr1-68439066-C-T. GRCh37 (hg19) VCF-style: chr1-68904749-C-T.
Other names: short protein forms A292T.
Identifiers: ClinVar variation 971314 (VCV000971314.7), dbSNP rs377762154, ClinGen allele CA902355.